The following is an entry in ClinVar:

NM_002693.3(POLG):c.2345G>A (p.Gly782Asp)

Genes: POLG (DNA polymerase gamma, catalytic subunit; minus strand), POLGARF (POLG alternative reading frame; minus strand). Cytogenetic location: 15q26.1.
Variant type: single nucleotide variant.
Coding change: c.2345G>A on transcript NM_002693.3 (MANE Select); coding-DNA position 2345, G replaced by A.
Protein change: p.Gly782Asp; replaces glycine 782 with aspartic acid.
Molecular consequence: missense variant.
Genome position (GRCh38, 1-based): chr15:89,322,823, C>T on the plus strand (G>A on the coding strand, the complement: POLG is on the minus strand). VCF-style: chr15-89322823-C-T. GRCh37 (hg19) VCF-style: chr15-89866054-C-T.
Other names: c.2345G>A, p.Gly782Asp (NM_001126131.2); short protein forms G782D.
Identifiers: ClinVar variation 1302467 (VCV001302467.2), dbSNP rs2152062396, ClinGen allele CA393756428.

ClinVar aggregate classification (germline): Uncertain significance (1 of 4 stars; one submission).

Submission:

GeneDx
Classification: Uncertain significance. Last evaluated: 2020-01-30. Review status: criteria provided, single submitter. Criteria: GeneDx Variant Classification Process June 2021. Collection method: clinical testing. Allele origin: germline. Affected: yes.
Comment: Has not been previously published as pathogenic or benign to our knowledge